The following is an entry in ClinVar:

NM_004369.4(COL6A3):c.724G>A (p.Asp242Asn)

Gene: COL6A3 (collagen type VI alpha 3 chain; minus strand). Cytogenetic location: 2q37.3.
Variant type: single nucleotide variant.
Coding change: c.724G>A on transcript NM_004369.4 (MANE Select); coding-DNA position 724, G replaced by A.
Protein change: p.Asp242Asn; replaces aspartic acid 242 with asparagine.
Molecular consequence: missense variant. On other transcripts: intron variant (2).
Genome position (GRCh38, 1-based): chr2:237,388,170, C>T on the plus strand (G>A on the coding strand, the complement: COL6A3 is on the minus strand). VCF-style: chr2-237388170-C-T. GRCh37 (hg19) VCF-style: chr2-238296813-C-T.
Other names: c.106G>A, p.Asp36Asn (NM_057165.5, NM_057167.4); c.92-6671G>A (NM_057166.5, NM_057164.5); short protein forms D242N, D36N.
Identifiers: ClinVar variation 2792094 (VCV002792094.4), dbSNP rs2469950326, ClinGen allele CA351224330.

ClinVar aggregate classification (germline): Uncertain significance. Review status: criteria provided, multiple submitters, no conflicts (2 of 4 stars). 2 submissions from 2 submitters: Uncertain significance (2). Last evaluated 2025-09-30.

Conditions:
Bethlem myopathy 1A. Also called: Bethlem myopathy 1; MYOPATHY, BENIGN CONGENITAL, WITH CONTRACTURES; Bethlem Muscular Dystrophy. Identifiers: Orphanet 610, MedGen CN029274, MONDO:0024530, OMIM 158810.

Allele frequency attached by ClinVar (database versions not stated): gnomAD exomes below 0.00001.
gnomAD v4.1: 1 of 1,614,038 alleles (0.000062%); highest among the groups gnomAD compares: Non-Finnish European, 0.000085%; no homozygotes.

Submissions (2):

Labcorp Genetics (formerly Invitae), Labcorp
Classification: Uncertain significance for Bethlem myopathy 1A. Last evaluated: 2025-09-30. Review status: criteria provided, single submitter. Criteria: Invitae Variant Classification Sherloc (09022015). Collection method: clinical testing. Allele origin: germline.
Comment: This sequence change replaces aspartic acid, which is acidic and polar, with asparagine, which is neutral and polar, at codon 242 of the COL6A3 protein (p.Asp242Asn). This variant is not present in population databases (gnomAD no frequency). This variant has not been reported in the literature in individuals affected with COL6A3-related conditions. ClinVar contains an entry for this variant (Variation ID: 2792094). Invitae Evidence Modeling of protein sequence and biophysical properties (such as structural, functional, and spatial information, amino acid conservation, physicochemical variation, residue mobility, and thermodynamic stability) has been performed for this missense variant. However, the output from this modeling did not meet the statistical confidence thresholds required to predict the impact of this variant on COL6A3 protein function. In summary, the available evidence is currently insufficient to determine the role of this variant in disease. Therefore, it has been classified as a Variant of Uncertain Significance.

Breakthrough Genomics
Classification: Uncertain significance. Review status: criteria provided, single submitter. Criteria: ACMG Guidelines, 2015. Collection method: not provided. Allele origin: germline. Inheritance: Autosomal recessive inheritance. Affected: yes.